The following is an entry in ClinVar:

NM_177924.5(ASAH1):c.1175G>A (p.Cys392Tyr)

Gene: ASAH1 (N-acylsphingosine amidohydrolase 1; minus strand). Cytogenetic location: 8p22.
Variant type: single nucleotide variant.
Coding change: c.1175G>A on transcript NM_177924.5 (MANE Select); coding-DNA position 1175, G replaced by A.
Protein change: p.Cys392Tyr; replaces cysteine 392 with tyrosine.
Molecular consequence: missense variant.
Genome position (GRCh38, 1-based): chr8:18,057,547, C>T on the plus strand (G>A on the coding strand, the complement: ASAH1 is on the minus strand). VCF-style: chr8-18057547-C-T. GRCh37 (hg19) VCF-style: chr8-17915056-C-T.
Other names: c.1157G>A, p.Cys386Tyr (NM_001127505.3); c.980G>A, p.Cys327Tyr (NM_001363743.2); c.1223G>A, p.Cys408Tyr (NM_004315.6); short protein forms C408Y, C327Y, C392Y, C386Y.
Identifiers: ClinVar variation 812491 (VCV000812491.1), dbSNP rs746513660, ClinGen allele CA4650490.

ClinVar aggregate classification (germline): Likely pathogenic (1 of 4 stars; one submission).

Conditions:
Farber lipogranulomatosis (FRBRL). Also called: AC DEFICIENCY; ACID CERAMIDASE DEFICIENCY; CERAMIDASE DEFICIENCY; N-LAURYLSPHINGOSINE DEACYLASE DEFICIENCY; Farber's lipogranulomatosis; Farber's disease. Identifiers: Orphanet 333, MedGen C0268255, MONDO:0009218, OMIM 228000.

Allele frequency attached by ClinVar (database versions not stated): gnomAD exomes below 0.00001 and 0.00001; ExAC 0.00001.
gnomAD v4.1: 7 of 1,600,022 alleles (0.00044%); highest among the groups gnomAD compares: Non-Finnish European, 0.00051%; no homozygotes.

Submission:

Medical Affairs, Dicerna Pharmaceuticals
Classification: Likely pathogenic for Farber lipogranulomatosis. Last evaluated: 2019-06-19. Review status: criteria provided, single submitter. Criteria: ACMG Guidelines, 2015. Collection method: literature only. Allele origin: unknown. Inheritance: Autosomal recessive inheritance. Affected: yes. Observed: 1 variant allele.
Comment: Variant c.1175G>A has been designated as likely pathogenic. Compound heterozygous variants were identified in the ASAH1 gene, c.760A<G and c.1175G>A. Variant c.1175G>A is a novel variant. No further functional testing has been completed for the c.1175G>A variant. Although this variant is being classified as uncertain significance, patients who carry this variant should be evaluated for Farber disease signs and symptoms.

Literature cited by the submitters: DOI 10.1002/jimd.12043.